The following is an entry in ClinVar:

NM_032806.6(POMGNT2):c.188G>A (p.Gly63Asp)

Gene: POMGNT2 (protein O-linked mannose N-acetylglucosaminyltransferase 2 (beta 1,4-); minus strand). Cytogenetic location: 3p22.1.
Variant type: single nucleotide variant.
Coding change: c.188G>A on transcript NM_032806.6 (MANE Select); coding-DNA position 188, G replaced by A.
Protein change: p.Gly63Asp; replaces glycine 63 with aspartic acid.
Molecular consequence: missense variant.
Genome position (GRCh38, 1-based): chr3:43,081,244, C>T on the plus strand (G>A on the coding strand, the complement: POMGNT2 is on the minus strand). VCF-style: chr3-43081244-C-T. GRCh37 (hg19) VCF-style: chr3-43122736-C-T.
Other names: short protein forms G63D.
Identifiers: ClinVar variation 1058359 (VCV001058359.1), dbSNP rs779938160, ClinGen allele CA2340140.
Genomic context (GRCh38, chr3:43,081,244, plus strand): 5'-CACTTGAAGCGGCAGATGCGGTCTGTGTGCGTGCGGCCCGTGCACACCATGTGTGTGCCG[C>T]CCTCCATCAGGATCTGCAGTGCCTTCGGGTAGTCGATCCTCAGTGCTGGGGCTGGCTCTG-3'
Protein context (NP_116195.2, residues 53-73): YPKALQILME[Gly63Asp]GTHMVCTGRT

ClinVar aggregate classification (germline): Uncertain significance (1 of 4 stars; one submission).

Conditions:
Muscular dystrophy-dystroglycanopathy (congenital with brain and eye anomalies), type a, 8 (MDDGA8). Also called: WALKER-WARBURG SYNDROME OR MUSCLE-EYE-BRAIN DISEASE, GTDC2-RELATED. Identifiers: Orphanet 899, MedGen C3553813, MONDO:0013904, OMIM 614830.

Allele frequency attached by ClinVar (database versions not stated): gnomAD exomes 0.00001; ExAC 0.00002.
gnomAD v4.1: 9 of 1,613,878 alleles (0.00056%); highest among the groups gnomAD compares: South Asian, 0.0044%; no homozygotes.

Submission:

Labcorp Genetics (formerly Invitae), Labcorp
Classification: Uncertain significance for Muscular dystrophy-dystroglycanopathy (congenital with brain and eye anomalies), type a, 8. Last evaluated: 2020-08-04. Review status: criteria provided, single submitter. Criteria: Invitae Variant Classification Sherloc (09022015). Collection method: clinical testing. Allele origin: germline.
Comment: This sequence change replaces glycine with aspartic acid at codon 63 of the POMGNT2 protein (p.Gly63Asp). The glycine residue is moderately conserved and there is a moderate physicochemical difference between glycine and aspartic acid. This variant is present in population databases (rs779938160, ExAC 0.006%). This variant has not been reported in the literature in individuals with POMGNT2-related conditions. Algorithms developed to predict the effect of missense changes on protein structure and function (SIFT, PolyPhen-2, Align-GVGD) all suggest that this variant is likely to be tolerated, but these predictions have not been confirmed by published functional studies and their clinical significance is uncertain. In summary, the available evidence is currently insufficient to determine the role of this variant in disease. Therefore, it has been classified as a Variant of Uncertain Significance.